The following is an entry in ClinVar:

ClinVar aggregate classification (germline): Conflicting classifications of pathogenicity. Review status: criteria provided, conflicting classifications (1 of 4 stars). 3 submissions from 3 submitters: Uncertain significance (2); Likely benign (1). Last evaluated 2025-04-23.

Conditions:
Cardiovascular phenotype. Identifiers: MedGen CN230736.
Alstrom syndrome (ALMS). Identifiers: Orphanet 64, MedGen C0268425, MONDO:0008763, OMIM 203800.

Allele frequency attached by ClinVar (database versions not stated): gnomAD exomes below 0.00001; ExAC 0.00001; gnomAD 0.00004; TOPMed 0.00004.
gnomAD v4.1: 8 of 1,612,798 alleles (0.0005%); highest among the groups gnomAD compares: African/African-American, 0.011%; no homozygotes.

Submissions (3):

Ambry Genetics
Classification: Likely benign for Cardiovascular phenotype. Last evaluated: 2025-04-23. Review status: criteria provided, single submitter. Criteria: Ambry Variant Classification Scheme 2023. Collection method: clinical testing. Allele origin: germline.

GeneDx
Classification: Uncertain significance. Last evaluated: 2022-11-04. Review status: criteria provided, single submitter. Criteria: GeneDx Variant Classification Process June 2021. Collection method: clinical testing. Allele origin: germline. Affected: yes.
Comment: Not observed at significant frequency in large population cohorts (gnomAD); In silico analysis supports that this missense variant does not alter protein structure/function; Has not been previously published as pathogenic or benign to our knowledge

Labcorp Genetics (formerly Invitae), Labcorp
Classification: Uncertain significance for Alstrom syndrome. Last evaluated: 2022-08-06. Review status: criteria provided, single submitter. Criteria: Invitae Variant Classification Sherloc (09022015). Collection method: clinical testing. Allele origin: germline.
Comment: This sequence change replaces glutamine, which is neutral and polar, with proline, which is neutral and non-polar, at codon 1526 of the ALMS1 protein (p.Gln1526Pro). This variant is present in population databases (rs761249526, gnomAD 0.007%). This variant has not been reported in the literature in individuals affected with ALMS1-related conditions. In summary, the available evidence is currently insufficient to determine the role of this variant in disease. Therefore, it has been classified as a Variant of Uncertain Significance.

NM_001378454.1(ALMS1):c.4574A>C (p.Gln1525Pro)

Gene: ALMS1 (ALMS1 centrosome and basal body associated protein; plus strand). Cytogenetic location: 2p13.1.
Variant type: single nucleotide variant.
Coding change: c.4574A>C on transcript NM_001378454.1 (MANE Select); coding-DNA position 4574, A replaced by C.
Protein change: p.Gln1525Pro; replaces glutamine 1525 with proline.
Molecular consequence: missense variant.
Genome position (GRCh38, 1-based): chr2:73,451,101, A>C. VCF-style: chr2-73451101-A-C. GRCh37 (hg19) VCF-style: chr2-73678228-A-C.
Other names: c.4577A>C, p.Gln1526Pro (NM_015120.4); short protein forms Q1525P, Q1526P.
Identifiers: ClinVar variation 1723660 (VCV001723660.8), dbSNP rs761249526, ClinGen allele CA1713726.